The following is an entry in ClinVar:

NM_001849.4(COL6A2):c.332C>T (p.Pro111Leu)

Gene: COL6A2 (collagen type VI alpha 2 chain; plus strand). Cytogenetic location: 21q22.3.
Variant type: single nucleotide variant.
Coding change: c.332C>T on transcript NM_001849.4 (MANE Select); coding-DNA position 332, C replaced by T.
Protein change: p.Pro111Leu; replaces proline 111 with leucine.
Molecular consequence: missense variant.
Genome position (GRCh38, 1-based): chr21:46,112,195, C>T. VCF-style: chr21-46112195-C-T. GRCh37 (hg19) VCF-style: chr21-47532109-C-T.
Other names: c.332C>T, p.Pro111Leu (NM_058174.3, NM_058175.3); short protein forms P111L.
Identifiers: ClinVar variation 285721 (VCV000285721.24), dbSNP rs747184649, ClinGen allele CA10071263.

ClinVar aggregate classification (germline): Conflicting classifications of pathogenicity. Review status: criteria provided, conflicting classifications (1 of 4 stars). 7 submissions from 7 submitters: Uncertain significance (6); Benign (1). Last evaluated 2025-12-22.

Conditions:
COL6A2-related disorder.
Bethlem myopathy 1A. Also called: MYOPATHY, BENIGN CONGENITAL, WITH CONTRACTURES; Bethlem myopathy 1; Bethlem Muscular Dystrophy. Identifiers: Orphanet 610, MedGen CN029274, MONDO:0024530, OMIM 158810.
Inborn genetic diseases. Identifiers: MedGen C0950123, MeSH D030342.
Collagen 6-related myopathy. Identifiers: MedGen CN117976, MONDO:0100225.

Allele frequency attached by ClinVar (database versions not stated): gnomAD 0.00002 and 0.00003; TOPMed 0.00007; ExAC 0.00002.
gnomAD v4.1: 28 of 1,612,834 alleles (0.0017%); highest among the groups gnomAD compares: Middle Eastern, 0.016%; no homozygotes.

Submissions (7):

Labcorp Genetics (formerly Invitae), Labcorp
Classification: Benign for Bethlem myopathy 1A. Last evaluated: 2025-12-22. Review status: criteria provided, single submitter. Criteria: Invitae Variant Classification Sherloc (09022015). Collection method: clinical testing. Allele origin: germline.

Ambry Genetics
Classification: Uncertain significance for Inborn genetic diseases. Last evaluated: 2025-07-02. Review status: criteria provided, single submitter. Criteria: Ambry Variant Classification Scheme 2023. Collection method: clinical testing. Allele origin: germline.

PreventionGenetics, part of Exact Sciences
Classification: Uncertain significance for COL6A2-related condition. Last evaluated: 2025-01-30. Review status: criteria provided, single submitter. Criteria: ACMG Guidelines, 2015. Collection method: clinical testing. Allele origin: germline.
Comment: The COL6A2 c.332C>T variant is predicted to result in the amino acid substitution p.Pro111Leu. To our knowledge, this variant has not been reported in the literature. This variant is reported in 0.016% of alleles in individuals of African descent in gnomAD. At this time, the clinical significance of this variant is uncertain due to the absence of conclusive functional and genetic evidence.

GeneDx
Classification: Uncertain significance. Last evaluated: 2020-12-11. Review status: criteria provided, single submitter. Criteria: GeneDx Variant Classification Process June 2021. Collection method: clinical testing. Allele origin: germline. Affected: yes.
Comment: In silico analysis supports that this missense variant does not alter protein structure/function; Has not been previously published as pathogenic or benign to our knowledge; This variant is associated with the following publications: (PMID: 30564623)

Revvity Omics, Revvity
Classification: Uncertain significance. Last evaluated: 2019-03-17. Review status: criteria provided, single submitter. Criteria: ACMG Guidelines, 2015. Collection method: clinical testing. Allele origin: germline.

Illumina Laboratory Services, Illumina
Classification: Uncertain significance for Collagen VI-related myopathy. Last evaluated: 2018-01-13. Review status: criteria provided, single submitter. Criteria: ICSL Variant Classification Criteria 13 December 2019. Collection method: clinical testing. Allele origin: germline.

Eurofins Ntd Llc (ga)
Classification: Uncertain significance. Last evaluated: 2016-01-19. Review status: criteria provided, single submitter. Criteria: EGL Classification Definitions 2015. Collection method: clinical testing. Allele origin: germline. Observed: 1 variant allele, 1 heterozygote.